The following is an entry in ClinVar:

NM_014334.4(FRRS1L):c.130G>A (p.Gly44Arg)

Gene: FRRS1L (ferric chelate reductase 1 like; minus strand). Cytogenetic location: 9q31.3.
Variant type: single nucleotide variant.
Coding change: c.130G>A on transcript NM_014334.4 (MANE Select); coding-DNA position 130, G replaced by A.
Protein change: p.Gly44Arg; replaces glycine 44 with arginine.
Molecular consequence: missense variant.
Genome position (GRCh38, 1-based): chr9:109,167,009, C>T on the plus strand (G>A on the coding strand, the complement: FRRS1L is on the minus strand). VCF-style: chr9-109167009-C-T. GRCh37 (hg19) VCF-style: chr9-111929289-C-T.
Other names: short protein forms G44R.
Identifiers: ClinVar variation 1299153 (VCV001299153.37), dbSNP rs540314469, ClinGen allele CA197585012.

ClinVar aggregate classification (germline): Uncertain significance. Review status: criteria provided, multiple submitters, no conflicts (2 of 4 stars). 3 submissions from 3 submitters: Uncertain significance (3). Last evaluated 2022-12-16.

Conditions:
Developmental and epileptic encephalopathy, 37 (DEE37). Also called: Epileptic encephalopathy, early infantile, 37. Identifiers: MedGen C4310770, MONDO:0014859, OMIM 616981.

Allele frequency attached by ClinVar (database versions not stated): TOPMed below 0.00001; gnomAD 0.00001 and 0.00002; gnomAD exomes 0.00001; 1000 Genomes Project 30x 0.00016; 1000 Genomes Project 0.00020.

Submissions (3):

Blueprint Genetics
Classification: Uncertain significance. Last evaluated: 2022-12-16. Review status: criteria provided, single submitter. Criteria: ACMG Guidelines, 2015. Collection method: clinical testing. Allele origin: germline.

Labcorp Genetics (formerly Invitae), Labcorp
Classification: Uncertain significance for Developmental and epileptic encephalopathy, 37. Last evaluated: 2022-05-26. Review status: criteria provided, single submitter. Criteria: Invitae Variant Classification Sherloc (09022015). Collection method: clinical testing. Allele origin: germline.
Comment: This sequence change replaces glycine, which is neutral and non-polar, with arginine, which is basic and polar, at codon 95 of the FRRS1L protein (p.Gly95Arg). The frequency data for this variant in the population databases is considered unreliable, as metrics indicate insufficient coverage at this position in the gnomAD database. This variant has not been reported in the literature in individuals affected with FRRS1L-related conditions. ClinVar contains an entry for this variant (Variation ID: 1299153). Algorithms developed to predict the effect of missense changes on protein structure and function (SIFT, PolyPhen-2, Align-GVGD) all suggest that this variant is likely to be tolerated. In summary, the available evidence is currently insufficient to determine the role of this variant in disease. Therefore, it has been classified as a Variant of Uncertain Significance.

CeGaT Center for Human Genetics Tuebingen
Classification: Uncertain significance. Last evaluated: 2021-07-01. Review status: criteria provided, single submitter. Criteria: CeGaT Center For Human Genetics Tuebingen Variant Classification Criteria Version 2. Collection method: clinical testing. Allele origin: germline. Affected: yes. Observed: 1 variant allele.